The following is an entry in ClinVar:

NM_001164508.2(NEB):c.20767G>A (p.Val6923Met)

Gene: NEB (nebulin; minus strand). Cytogenetic location: 2q23.3.
Variant type: single nucleotide variant.
Coding change: c.20767G>A on transcript NM_001164508.2 (MANE Select); coding-DNA position 20767, G replaced by A.
Protein change: p.Val6923Met; replaces valine 6923 with methionine.
Molecular consequence: missense variant.
Genome position (GRCh38, 1-based): chr2:151,540,717, C>T on the plus strand (G>A on the coding strand, the complement: NEB is on the minus strand). VCF-style: chr2-151540717-C-T. GRCh37 (hg19) VCF-style: chr2-152397231-C-T.
Other names: c.20767G>A, p.Val6923Met (NM_001164507.2, NM_001271208.2); c.15664G>A, p.Val5222Met (NM_004543.5); short protein forms V5222M, V6923M.
Identifiers: ClinVar variation 1417537 (VCV001417537.5), dbSNP rs753673376, ClinGen allele CA1907174.

ClinVar aggregate classification (germline): Uncertain significance (1 of 4 stars; one submission).

Conditions:
Nemaline myopathy 2 (NEM2). Also called: Nemaline myopathy 2, autosomal recessive. Identifiers: MedGen C1850569, MONDO:0009725, OMIM 256030.

Allele frequency attached by ClinVar (database versions not stated): gnomAD exomes below 0.00001 and 0.00001; TOPMed below 0.00001; ExAC 0.00001; gnomAD 0.00001.
gnomAD v4.1: 12 of 1,613,474 alleles (0.00074%); highest among the groups gnomAD compares: East Asian, 0.0045%; no homozygotes.

Submission:

Labcorp Genetics (formerly Invitae), Labcorp
Classification: Uncertain significance for Nemaline myopathy 2. Last evaluated: 2021-09-17. Review status: criteria provided, single submitter. Criteria: Invitae Variant Classification Sherloc (09022015). Collection method: clinical testing. Allele origin: germline.
Comment: This sequence change replaces valine with methionine at codon 6923 of the NEB protein (p.Val6923Met). The valine residue is moderately conserved and there is a small physicochemical difference between valine and methionine. This variant is present in population databases (rs753673376, ExAC 0.006%). This variant has not been reported in the literature in individuals affected with NEB-related conditions. Algorithms developed to predict the effect of missense changes on protein structure and function are either unavailable or do not agree on the potential impact of this missense change (SIFT: "Deleterious"; PolyPhen-2: "Not Available"; Align-GVGD: "Class C0"). In summary, the available evidence is currently insufficient to determine the role of this variant in disease. Therefore, it has been classified as a Variant of Uncertain Significance.